The following is an entry in ClinVar:

NM_080680.3(COL11A2):c.3329dup (p.Gly1111fs)

Gene: COL11A2 (collagen type XI alpha 2 chain; minus strand). Cytogenetic location: 6p21.32.
Variant type: Duplication.
Coding change: c.3329dup on transcript NM_080680.3 (MANE Select); coding-DNA position 3329, one base duplicated (C; older notation c.3329dupC).
Protein change: p.Gly1111fs; shifts the reading frame from glycine 1111.
Molecular consequence: frameshift variant.
Genome position (GRCh38, 1-based): chr6:33,171,151, G duplicated on the plus strand (C on the coding strand, the reverse complement: COL11A2 is on the minus strand); the first of 5 consecutive G bases (chr6:33,171,151-33,171,155); duplicating any one gives the same sequence. VCF-style (leftmost placement, unchanged base first): chr6-33171150-A-AG. GRCh37 (hg19) VCF-style: chr6-33138927-A-AG.
Other names: c.3149dup, p.Gly1051fs (NM_001424108.1); c.2483dup, p.Gly829fs (NM_001424109.1); c.2303dup, p.Gly769fs (NM_001424110.1, NM_001424111.1); c.1283dup, p.Gly429fs (NM_001424112.1); c.3008dup, p.Gly1004fs (NM_080679.3); c.3071dup, p.Gly1025fs (NM_080681.3); short protein forms G1004fs, G769fs, G829fs, G1051fs, G1111fs, G1025fs, G429fs.
Identifiers: ClinVar variation 2757004 (VCV002757004.4), dbSNP rs2534810137, ClinGen allele CA2697553229.
Genomic context (GRCh38, chr6:33,171,150, plus strand): 5'-GGTGGGGGTGGAGGGGTCACTCACCGCTGCTCCAGGCTGCCCCACAGGACCAATGGGTCC[A>AG]GGGGGTCCAGGAGGGCCCTGGGTAAGAGAAGAGAGTCAGAGACACCAAAACAGGGAGAGA-3'

ClinVar aggregate classification (germline): Pathogenic/Likely pathogenic. Review status: criteria provided, multiple submitters, no conflicts (2 of 4 stars). 2 submissions from 2 submitters: Pathogenic (1); Likely pathogenic (1). Last evaluated 2024-03-21.

Conditions:
Fibrochondrogenesis 2 (FBCG2). Identifiers: Orphanet 2021, MedGen C3281128, MONDO:0013795, OMIM 614524.
Otospondylomegaepiphyseal dysplasia, autosomal recessive (OSMEDB). Also called: Insley-Astley syndrome; CHONDRODYSTROPHY WITH SENSORINEURAL DEAFNESS. Identifiers: Orphanet 1427, MedGen CN034493, MONDO:0044206, OMIM 215150.
Otospondylomegaepiphyseal dysplasia, autosomal dominant (OSMEDA). Also called: Stickler syndrome, type 3; Pierre Robin syndrome with fetal chondrodysplasia; COL11A2-Related Stickler Syndrome. Identifiers: Orphanet 166100, Orphanet 3450, MedGen C1848488, MONDO:0008490, OMIM 184840.
Autosomal recessive nonsyndromic hearing loss 53. Identifiers: Orphanet 90636, MedGen C1864746, MONDO:0012333, OMIM 609706.
Autosomal dominant nonsyndromic hearing loss 13. Identifiers: Orphanet 90635, MedGen C1866095, MONDO:0011159, OMIM 601868.

Submissions (2):

Fulgent Genetics
Classification: Likely pathogenic for Otospondylomegaepiphyseal dysplasia, autosomal dominant; Otospondylomegaepiphyseal dysplasia, autosomal recessive; Autosomal dominant nonsyndromic hearing loss 13; Autosomal recessive nonsyndromic hearing loss 53; Fibrochondrogenesis 2. Last evaluated: 2024-03-21. Review status: criteria provided, single submitter. Criteria: ACMG Guidelines, 2015. Collection method: clinical testing. Allele origin: germline.

Labcorp Genetics (formerly Invitae), Labcorp
Classification: Pathogenic. Last evaluated: 2023-08-31. Review status: criteria provided, single submitter. Criteria: Invitae Variant Classification Sherloc (09022015). Collection method: clinical testing. Allele origin: germline.
Comment: For these reasons, this variant has been classified as Pathogenic. This variant has not been reported in the literature in individuals affected with COL11A2-related conditions. This variant is not present in population databases (gnomAD no frequency). This sequence change creates a premature translational stop signal (p.Gly1111Trpfs*32) in the COL11A2 gene. It is expected to result in an absent or disrupted protein product. Loss-of-function variants in COL11A2 are known to be pathogenic (PMID: 10677296, 21204229).

Literature cited by the submitters: PubMed 10677296 (cited by Labcorp Genetics (formerly Invitae), Labcorp); PubMed 21204229 (cited by Labcorp Genetics (formerly Invitae), Labcorp).